The following is an entry in ClinVar:

NM_001101362.3(KBTBD13):c.718G>A (p.Glu240Lys)

Gene: KBTBD13 (kelch repeat and BTB domain containing 13; plus strand). Cytogenetic location: 15q22.31.
Variant type: single nucleotide variant.
Coding change: c.718G>A on transcript NM_001101362.3 (MANE Select); coding-DNA position 718, G replaced by A.
Protein change: p.Glu240Lys; replaces glutamic acid 240 with lysine.
Molecular consequence: missense variant.
Genome position (GRCh38, 1-based): chr15:65,077,533, G>A. VCF-style: chr15-65077533-G-A. GRCh37 (hg19) VCF-style: chr15-65369871-G-A.
Other names: short protein forms E240K.
Identifiers: ClinVar variation 583389 (VCV000583389.15), dbSNP rs1293899823, ClinGen allele CA392862637.

ClinVar aggregate classification (germline): Uncertain significance. Review status: criteria provided, multiple submitters, no conflicts (2 of 4 stars). 3 submissions from 3 submitters: Uncertain significance (3). Last evaluated 2025-02-10.

Conditions:
Nemaline myopathy 6 (NEM6). Also called: Nemaline myopathy 6, autosomal dominant. Identifiers: Orphanet 171439, MedGen C1836472, MONDO:0012237, OMIM 609273.

Submissions (3):

Labcorp Genetics (formerly Invitae), Labcorp
Classification: Uncertain significance for Nemaline myopathy 6. Last evaluated: 2025-02-10. Review status: criteria provided, single submitter. Criteria: Invitae Variant Classification Sherloc (09022015). Collection method: clinical testing. Allele origin: germline.
Comment: This sequence change replaces glutamic acid, which is acidic and polar, with lysine, which is basic and polar, at codon 240 of the KBTBD13 protein (p.Glu240Lys). The frequency data for this variant in the population databases is considered unreliable, as metrics indicate poor data quality at this position in the gnomAD database. This variant has not been reported in the literature in individuals affected with KBTBD13-related conditions. ClinVar contains an entry for this variant (Variation ID: 583389). Invitae Evidence Modeling of protein sequence and biophysical properties (such as structural, functional, and spatial information, amino acid conservation, physicochemical variation, residue mobility, and thermodynamic stability) indicates that this missense variant is not expected to disrupt KBTBD13 protein function with a negative predictive value of 80%. In summary, the available evidence is currently insufficient to determine the role of this variant in disease. Therefore, it has been classified as a Variant of Uncertain Significance.

Revvity Omics, Revvity
Classification: Uncertain significance for Nemaline myopathy 6. Last evaluated: 2023-05-24. Review status: criteria provided, single submitter. Criteria: ACMG Guidelines, 2015. Collection method: clinical testing. Allele origin: germline.

Illumina Laboratory Services, Illumina
Classification: Uncertain significance for Nemaline myopathy 6. Last evaluated: 2018-01-12. Review status: criteria provided, single submitter. Criteria: ICSL Variant Classification Criteria 13 December 2019. Collection method: clinical testing. Allele origin: germline.